The following is an entry in ClinVar:

ClinVar aggregate classification (germline): Uncertain significance (1 of 4 stars; one submission).

Allele frequency attached by ClinVar (database versions not stated): TOPMed below 0.00001; gnomAD exomes below 0.00001.
gnomAD v4.1: 2 of 1,211,331 alleles (0.00017%); highest among the groups gnomAD compares: Non-Finnish European, 0.00011%; no homozygotes.

Submission:

GeneDx
Classification: Uncertain significance. Last evaluated: 2026-01-18. Review status: criteria provided, single submitter. Criteria: GeneDx Variant Classification Process June 2021. Collection method: clinical testing. Allele origin: germline. Affected: yes.
Comment: Not observed at significant frequency in large population cohorts (gnomAD); In silico analysis supports that this missense variant has a deleterious effect on protein structure/function; Has not been previously published as pathogenic or benign to our knowledge

NM_016120.4(RLIM):c.1057A>G (p.Thr353Ala)

Gene: RLIM (ring finger protein, LIM domain interacting; minus strand). Cytogenetic location: Xq13.2.
Variant type: single nucleotide variant.
Coding change: c.1057A>G on transcript NM_016120.4 (MANE Select); coding-DNA position 1057, A replaced by G.
Protein change: p.Thr353Ala; replaces threonine 353 with alanine.
Molecular consequence: missense variant.
Genome position (GRCh38, 1-based): chrX:74,592,258, T>C on the plus strand (A>G on the coding strand, the complement: RLIM is on the minus strand). VCF-style: chrX-74592258-T-C. GRCh37 (hg19) VCF-style: chrX-73812093-T-C.
Other names: c.1057A>G, p.Thr353Ala (NM_183353.3); short protein forms T353A.
Identifiers: ClinVar variation 2429686 (VCV002429686.2), dbSNP rs1243078361, ClinGen allele CA413661008.